The following is an entry in ClinVar:

ClinVar aggregate classification (germline): Uncertain significance (0 of 4 stars; one submission).

Conditions:
TTN-related disorder. Also called: TTN-related disorders; TTN-related condition; TTN-related disease.

Submission:

PreventionGenetics, part of Exact Sciences
Classification: Uncertain significance for TTN-related condition. Last evaluated: 2024-07-18. Review status: no assertion criteria provided. Collection method: clinical testing. Allele origin: germline.
Comment: The TTN c.90521A>G variant is predicted to result in the amino acid substitution p.Glu30174Gly. To our knowledge, this variant has not been reported in the literature or in a large population database, indicating this variant is rare. At this time, the clinical significance of this variant is uncertain due to the absence of conclusive functional and genetic evidence.

NM_001267550.2(TTN):c.90521A>G (p.Glu30174Gly)

Genes: TTN (titin; minus strand), TTN-AS1 (TTN antisense RNA 1; plus strand). Cytogenetic location: 2q31.2.
Variant type: single nucleotide variant.
Coding change: c.90521A>G on transcript NM_001267550.2 (MANE Select); coding-DNA position 90521, A replaced by G.
Protein change: p.Glu30174Gly; replaces glutamic acid 30174 with glycine.
Molecular consequence: missense variant.
Genome position (GRCh38, 1-based): chr2:178,552,379, T>C on the plus strand (A>G on the coding strand, the complement: TTN is on the minus strand). VCF-style: chr2-178552379-T-C. GRCh37 (hg19) VCF-style: chr2-179417106-T-C.
Other names: c.85598A>G, p.Glu28533Gly (NM_001256850.1); c.63326A>G, p.Glu21109Gly (NM_003319.4); c.82817A>G, p.Glu27606Gly (NM_133378.4); c.63701A>G, p.Glu21234Gly (NM_133432.3); c.63902A>G, p.Glu21301Gly (NM_133437.4); short protein forms E21109G, E21234G, E21301G, E27606G, E28533G, E30174G.
Identifiers: ClinVar variation 3345748 (VCV003345748.1).